The following is an entry in ClinVar:

ClinVar aggregate classification (germline): Likely benign. Review status: criteria provided, multiple submitters, no conflicts (2 of 4 stars). 4 submissions from 4 submitters: Likely benign (4). Last evaluated 2026-01-05.

Allele frequency attached by ClinVar (database versions not stated): ESP Exome Variant Server 0.00023; TOPMed 0.00039; gnomAD exomes 0.00040; ExAC 0.00041; gnomAD 0.00044 and 0.00045; 1000 Genomes Project 0.00080; 1000 Genomes Project 30x 0.00094.

Submissions (4):

Labcorp Genetics (formerly Invitae), Labcorp
Classification: Likely benign. Last evaluated: 2026-01-05. Review status: criteria provided, single submitter. Criteria: Invitae Variant Classification Sherloc (09022015). Collection method: clinical testing. Allele origin: germline.

Blueprint Genetics
Classification: Likely benign. Last evaluated: 2024-06-19. Review status: criteria provided, single submitter. Criteria: ACMG Guidelines, 2015. Collection method: clinical testing. Allele origin: germline.

CeGaT Center for Human Genetics Tuebingen
Classification: Likely benign. Last evaluated: 2023-03-01. Review status: criteria provided, single submitter. Criteria: CeGaT Center For Human Genetics Tuebingen Variant Classification Criteria Version 2. Collection method: clinical testing. Allele origin: germline. Affected: yes. Observed: 1 variant allele.
Comment: DHX38: BP4, BP7

Breakthrough Genomics
Classification: Likely benign. Review status: criteria provided, single submitter. Criteria: ACMG Guidelines, 2015. Collection method: not provided. Allele origin: germline. Inheritance: Autosomal recessive inheritance. Affected: yes.

NM_014003.4(DHX38):c.3450C>T (p.Ser1150=)

Gene: DHX38 (DEAH-box helicase 38; plus strand). Cytogenetic location: 16q22.2.
Variant type: single nucleotide variant.
Coding change: c.3450C>T on transcript NM_014003.4 (MANE Select); coding-DNA position 3450, C replaced by T.
Protein change: p.Ser1150=; no amino-acid change (serine 1150 retained).
Molecular consequence: synonymous variant.
Genome position (GRCh38, 1-based): chr16:72,109,483, C>T. VCF-style: chr16-72109483-C-T. GRCh37 (hg19) VCF-style: chr16-72143382-C-T.
Identifiers: ClinVar variation 1151953 (VCV001151953.34), dbSNP rs140905863, ClinGen allele CA8160979.